The following is an entry in ClinVar:

ClinVar aggregate classification (germline): Conflicting classifications of pathogenicity. Review status: criteria provided, conflicting classifications (1 of 4 stars). 4 submissions from 4 submitters: Uncertain significance (1); Likely benign (2). 1 of the submissions does not count toward it. Last evaluated 2023-08-10.

Conditions:
NPHP4-related disorder. Also called: NPHP4-related disorders; NPHP4-related condition. Identifiers: MedGen CN239384.
Nephronophthisis. Also called: Juvenile Nephronophthisis. Identifiers: Orphanet 655, MedGen C0687120, MONDO:0019005, HP:0000090.

Allele frequency attached by ClinVar (database versions not stated): gnomAD exomes 0.00001; ExAC 0.00003; gnomAD 0.00003 and 0.00004; TOPMed 0.00005.
gnomAD v4.1: 14 of 1,612,492 alleles (0.00087%); highest among the groups gnomAD compares: African/African-American, 0.008%; no homozygotes.

Submissions (4):

Labcorp Genetics (formerly Invitae), Labcorp
Classification: Likely benign for Nephronophthisis. Last evaluated: 2023-08-10. Review status: criteria provided, single submitter. Criteria: Invitae Variant Classification Sherloc (09022015). Collection method: clinical testing. Allele origin: germline.

Blueprint Genetics
Classification: Likely benign. Last evaluated: 2021-12-28. Review status: criteria provided, single submitter. Criteria: ACMG Guidelines, 2015. Collection method: clinical testing. Allele origin: germline.

Eurofins Ntd Llc (ga)
Classification: Uncertain significance. Last evaluated: 2018-01-09. Review status: criteria provided, single submitter. Criteria: EGL Classification Definitions 2015. Collection method: clinical testing. Allele origin: germline. Observed: 1 variant allele, 1 heterozygote.

PreventionGenetics, part of Exact Sciences
Classification: Likely benign for NPHP4-related condition. Last evaluated: 2023-12-21. Review status: no assertion criteria provided. Collection method: clinical testing. Allele origin: germline. Not counted in ClinVar's aggregate classification.
Comment: This variant is classified as likely benign based on ACMG/AMP sequence variant interpretation guidelines (Richards et al. 2015 PMID: 25741868, with internal and published modifications).

NM_015102.5(NPHP4):c.1653C>T (p.Ala551=)

Gene: NPHP4 (nephrocystin 4; minus strand). Cytogenetic location: 1p36.31.
Variant type: single nucleotide variant.
Coding change: c.1653C>T on transcript NM_015102.5 (MANE Select); coding-DNA position 1653, C replaced by T.
Protein change: p.Ala551=; no amino-acid change (alanine 551 retained).
Molecular consequence: synonymous variant. On other transcripts: non-coding transcript variant (1).
Genome position (GRCh38, 1-based): chr1:5,905,742, G>A on the plus strand (C>T on the coding strand, the complement: NPHP4 is on the minus strand). VCF-style: chr1-5905742-G-A. GRCh37 (hg19) VCF-style: chr1-5965802-G-A.
Other names: c.114C>T, p.Ala38= (NM_001291593.2); c.117C>T, p.Ala39= (NM_001291594.2); c.1653C>T (NM_015102.4).
Identifiers: ClinVar variation 595678 (VCV000595678.16), dbSNP rs751732786, ClinGen allele CA554415.
Genomic context (GRCh38, chr1:5,905,742, plus strand): 5'-CAGCTCCTGTAACTGTTCGGCAATGGATGTTTCCAGGACCAGGGAGGTCTGGCTCAGGTC[G>A]GCTTCCAGGTGGGAGATACCGGCCTCCAACGGGAACTCCTGCTGAACAAAACGAGGGCTT-3'
Protein context (NP_055917.1, residues 541-561): PLEAGISHLE[Ala551=]DLSQTSLVLE